The following is an entry in ClinVar:

ClinVar aggregate classification (germline): Uncertain significance. Review status: criteria provided, single submitter (1 of 4 stars). 2 submissions from 2 submitters: Uncertain significance (1). 1 of the submissions does not count toward it. Last evaluated 2022-03-22.

Conditions:
SLC25A13-related disorder. Also called: SLC25A13-related condition.
Citrin deficiency. Identifiers: Orphanet 247582, MedGen C1997910, MONDO:0016602.

Allele frequency attached by ClinVar (database versions not stated): ExAC 0.00004; gnomAD 0.00005; gnomAD exomes 0.00006 and 0.00007; TOPMed 0.00006; ESP Exome Variant Server 0.00015.
gnomAD v4.1: 109 of 1,613,958 alleles (0.0068%); highest among the groups gnomAD compares: Non-Finnish European, 0.0083%; no homozygotes.

Submissions (2):

Labcorp Genetics (formerly Invitae), Labcorp
Classification: Uncertain significance for Citrin deficiency. Last evaluated: 2022-03-22. Review status: criteria provided, single submitter. Criteria: Invitae Variant Classification Sherloc (09022015). Collection method: clinical testing. Allele origin: germline.
Comment: This sequence change replaces arginine, which is basic and polar, with glutamine, which is neutral and polar, at codon 184 of the SLC25A13 protein (p.Arg184Gln). This variant is present in population databases (rs142427515, gnomAD 0.009%). This variant has not been reported in the literature in individuals affected with SLC25A13-related conditions. Advanced modeling of protein sequence and biophysical properties (such as structural, functional, and spatial information, amino acid conservation, physicochemical variation, residue mobility, and thermodynamic stability) performed at Invitae indicates that this missense variant is not expected to disrupt SLC25A13 protein function. In summary, the available evidence is currently insufficient to determine the role of this variant in disease. Therefore, it has been classified as a Variant of Uncertain Significance.

PreventionGenetics, part of Exact Sciences
Classification: Uncertain significance for SLC25A13-related condition. Last evaluated: 2024-01-03. Review status: no assertion criteria provided. Collection method: clinical testing. Allele origin: germline. Not counted in ClinVar's aggregate classification.
Comment: The SLC25A13 c.551G>A variant is predicted to result in the amino acid substitution p.Arg184Gln. To our knowledge, this variant has not been reported in the literature. This variant is reported in 0.0085% of alleles in individuals of European (Non-Finnish) descent in gnomAD. At this time, the clinical significance of this variant is uncertain due to the absence of conclusive functional and genetic evidence.

NM_014251.3(SLC25A13):c.551G>A (p.Arg184Gln)

Gene: SLC25A13 (solute carrier family 25 member 13; minus strand). Cytogenetic location: 7q21.3.
Variant type: single nucleotide variant.
Coding change: c.551G>A on transcript NM_014251.3 (MANE Select); coding-DNA position 551, G replaced by A.
Protein change: p.Arg184Gln; replaces arginine 184 with glutamine.
Molecular consequence: missense variant. On other transcripts: non-coding transcript variant (1).
Genome position (GRCh38, 1-based): chr7:96,193,101, C>T on the plus strand (G>A on the coding strand, the complement: SLC25A13 is on the minus strand). VCF-style: chr7-96193101-C-T. GRCh37 (hg19) VCF-style: chr7-95822413-C-T.
Other names: c.551G>A (NM_014251.2); c.551G>A, p.Arg184Gln (NM_001160210.2); short protein forms R184Q.
Identifiers: ClinVar variation 1423505 (VCV001423505.5), dbSNP rs142427515, ClinGen allele CA4353228.